The following is an entry in ClinVar:

ClinVar aggregate classification (germline): Uncertain significance (1 of 4 stars; one submission).

Conditions:
3-Methylglutaconic aciduria type 2 (BTHS). Also called: Barth syndrome; CARDIOSKELETAL MYOPATHY WITH NEUTROPENIA AND ABNORMAL MITOCHONDRIA. Identifiers: Orphanet 111, MedGen C0574083, MONDO:0010543, OMIM 302060.

Submission:

Labcorp Genetics (formerly Invitae), Labcorp
Classification: Uncertain significance for 3-Methylglutaconic aciduria type 2. Last evaluated: 2020-03-12. Review status: criteria provided, single submitter. Criteria: Invitae Variant Classification Sherloc (09022015). Collection method: clinical testing. Allele origin: germline.
Comment: In summary, the available evidence is currently insufficient to determine the role of this variant in disease. Therefore, it has been classified as a Variant of Uncertain Significance. Algorithms developed to predict the effect of missense changes on protein structure and function are either unavailable or do not agree on the potential impact of this missense change (SIFT: "Not Available"; PolyPhen-2: "Probably Damaging"; Align-GVGD: "Not Available"). This variant has not been reported in the literature in individuals with TAZ-related conditions. This variant is not present in population databases (ExAC no frequency). This sequence change replaces histidine with asparagine at codon 69 of the TAZ protein (p.His69Asn). The histidine residue is highly conserved and there is a small physicochemical difference between histidine and asparagine.

NM_000116.5(TAFAZZIN):c.205C>A (p.His69Asn)

Gene: TAFAZZIN (tafazzin, phospholipid-lysophospholipid transacylase; plus strand). Cytogenetic location: Xq28.
Variant type: single nucleotide variant.
Coding change: c.205C>A on transcript NM_000116.5 (MANE Select); coding-DNA position 205, C replaced by A.
Protein change: p.His69Asn; replaces histidine 69 with asparagine.
Molecular consequence: missense variant. On other transcripts: non-coding transcript variant (1).
Genome position (GRCh38, 1-based): chrX:154,412,181, C>A. VCF-style: chrX-154412181-C-A. GRCh37 (hg19) VCF-style: chrX-153640518-C-A.
Other names: c.259C>A, p.His87Asn (NM_001303465.2); c.205C>A, p.His69Asn (NM_181311.4, NM_181312.4, NM_181313.4); short protein forms H69N, H87N.
Identifiers: ClinVar variation 1027212 (VCV001027212.3), dbSNP rs2068329796, ClinGen allele CA415179970.